The following is an entry in ClinVar:

NM_007055.4(POLR3A):c.1143T>C (p.Ala381=)

Gene: POLR3A (RNA polymerase III subunit A; minus strand). Cytogenetic location: 10q22.3.
Variant type: single nucleotide variant.
Coding change: c.1143T>C on transcript NM_007055.4 (MANE Select); coding-DNA position 1143, T replaced by C.
Protein change: p.Ala381=; no amino-acid change (alanine 381 retained).
Molecular consequence: synonymous variant.
Genome position (GRCh38, 1-based): chr10:78,021,588, A>G on the plus strand (T>C on the coding strand, the complement: POLR3A is on the minus strand). VCF-style: chr10-78021588-A-G. GRCh37 (hg19) VCF-style: chr10-79781346-A-G.
Other names: p.Ala381=.
Identifiers: ClinVar variation 1648180 (VCV001648180.9), dbSNP rs372260297, ClinGen allele CA5571531.

ClinVar aggregate classification (germline): Likely benign. Review status: criteria provided, multiple submitters, no conflicts (2 of 4 stars). 2 submissions from 2 submitters: Likely benign (2). Last evaluated 2025-10-10.

Allele frequency attached by ClinVar (database versions not stated): gnomAD 0.00001 and 0.00002; gnomAD exomes 0.00001 and 0.00003; ExAC 0.00002; TOPMed 0.00002; ESP Exome Variant Server 0.00015.
gnomAD v4.1: 43 of 1,614,030 alleles (0.0027%); highest among the groups gnomAD compares: Non-Finnish European, 0.0035%; no homozygotes.

Submissions (2):

Mayo Clinic Laboratories, Mayo Clinic
Classification: Likely benign. Last evaluated: 2025-10-10. Review status: criteria provided, single submitter. Criteria: ACMG Guidelines, 2015. Collection method: clinical testing. Allele origin: germline. Observed: 1 variant allele.
Comment: BP4, BP7

Labcorp Genetics (formerly Invitae), Labcorp
Classification: Likely benign. Last evaluated: 2025-10-05. Review status: criteria provided, single submitter. Criteria: Invitae Variant Classification Sherloc (09022015). Collection method: clinical testing. Allele origin: germline.